The following is an entry in ClinVar:

NM_004855.5(PIGB):c.822G>A (p.Met274Ile)

Gene: PIGB (phosphatidylinositol glycan anchor biosynthesis class B; plus strand). Cytogenetic location: 15q21.3.
Variant type: single nucleotide variant.
Coding change: c.822G>A on transcript NM_004855.5 (MANE Select); coding-DNA position 822, G replaced by A.
Protein change: p.Met274Ile; replaces methionine 274 with isoleucine.
Molecular consequence: missense variant.
Genome position (GRCh38, 1-based): chr15:55,339,294, G>A. VCF-style: chr15-55339294-G-A. GRCh37 (hg19) VCF-style: chr15-55631492-G-A.
Other names: short protein forms M274I.
Identifiers: ClinVar variation 1932603 (VCV001932603.5), dbSNP rs946270191, ClinGen allele CA270784385.

ClinVar aggregate classification (germline): Uncertain significance (1 of 4 stars; one submission).

Allele frequency attached by ClinVar (database versions not stated): gnomAD exomes 0.00001; gnomAD 0.00002; TOPMed 0.00002.
gnomAD v4.1: 12 of 1,552,990 alleles (0.00077%); highest among the groups gnomAD compares: South Asian, 0.0012%; no homozygotes.

Submission:

Labcorp Genetics (formerly Invitae), Labcorp
Classification: Uncertain significance. Last evaluated: 2022-05-20. Review status: criteria provided, single submitter. Criteria: Invitae Variant Classification Sherloc (09022015). Collection method: clinical testing. Allele origin: germline.
Comment: In summary, the available evidence is currently insufficient to determine the role of this variant in disease. Therefore, it has been classified as a Variant of Uncertain Significance. Algorithms developed to predict the effect of sequence changes on RNA splicing suggest that this variant may disrupt the consensus splice site. Algorithms developed to predict the effect of missense changes on protein structure and function output the following: SIFT: "Tolerated"; PolyPhen-2: "Benign"; Align-GVGD: "Class C0". The isoleucine amino acid residue is found in multiple mammalian species, which suggests that this missense change does not adversely affect protein function. This variant has not been reported in the literature in individuals affected with PIGB-related conditions. This variant is present in population databases (no rsID available, gnomAD 0.005%). This sequence change replaces methionine, which is neutral and non-polar, with isoleucine, which is neutral and non-polar, at codon 274 of the PIGB protein (p.Met274Ile).